The following is an entry in ClinVar:

NM_198578.4(LRRK2):c.4322G>C (p.Arg1441Pro)

Gene: LRRK2 (leucine rich repeat kinase 2; plus strand). Cytogenetic location: 12q12.
Variant type: single nucleotide variant.
Coding change: c.4322G>C on transcript NM_198578.4 (MANE Select); coding-DNA position 4322, G replaced by C.
Protein change: p.Arg1441Pro; replaces arginine 1441 with proline.
Molecular consequence: missense variant.
Genome position (GRCh38, 1-based): chr12:40,310,435, G>C. VCF-style: chr12-40310435-G-C. GRCh37 (hg19) VCF-style: chr12-40704237-G-C.
Other names: short protein forms R1441P.
Identifiers: ClinVar variation 2764308 (VCV002764308.3), dbSNP rs34995376, ClinGen allele CA384418265.

ClinVar aggregate classification (germline): Uncertain significance (1 of 4 stars; one submission).

Conditions:
Autosomal dominant Parkinson disease 8. Also called: LRRK2-Related Parkinson Disease; Parkinson disease 8; Parkinson disease 8, susceptibility to. Identifiers: Orphanet 411602, MedGen C1846862, MONDO:0011764, OMIM 607060.

Submission:

Labcorp Genetics (formerly Invitae), Labcorp
Classification: Uncertain significance for Autosomal dominant Parkinson disease 8. Last evaluated: 2023-09-29. Review status: criteria provided, single submitter. Criteria: Invitae Variant Classification Sherloc (09022015). Collection method: clinical testing. Allele origin: germline.
Comment: This variant is not present in population databases (gnomAD no frequency). This sequence change replaces arginine, which is basic and polar, with proline, which is neutral and non-polar, at codon 1441 of the LRRK2 protein (p.Arg1441Pro). This variant has not been reported in the literature in individuals affected with LRRK2-related conditions. Advanced modeling of protein sequence and biophysical properties (such as structural, functional, and spatial information, amino acid conservation, physicochemical variation, residue mobility, and thermodynamic stability) has been performed at Invitae for this missense variant, however the output from this modeling did not meet the statistical confidence thresholds required to predict the impact of this variant on LRRK2 protein function. This variant disrupts the p.Arg1441 amino acid residue in LRRK2. Other variant(s) that disrupt this residue have been determined to be pathogenic (PMID: 15541309, 16750377, 17200152, 24565865). This suggests that this residue is clinically significant, and that variants that disrupt this residue are likely to be disease-causing. In summary, the available evidence is currently insufficient to determine the role of this variant in disease. Therefore, it has been classified as a Variant of Uncertain Significance.

Literature cited by the submitters: PubMed 15541309; PubMed 16750377; PubMed 17200152; PubMed 24565865.